The following is an entry in ClinVar:

NM_001844.5(COL2A1):c.4303A>G (p.Lys1435Glu)

Gene: COL2A1 (collagen type II alpha 1 chain; minus strand). Cytogenetic location: 12q13.11.
Variant type: single nucleotide variant.
Coding change: c.4303A>G on transcript NM_001844.5 (MANE Select); coding-DNA position 4303, A replaced by G.
Protein change: p.Lys1435Glu; replaces lysine 1435 with glutamic acid.
Molecular consequence: missense variant.
Genome position (GRCh38, 1-based): chr12:47,974,103, T>C on the plus strand (A>G on the coding strand, the complement: COL2A1 is on the minus strand). VCF-style: chr12-47974103-T-C. GRCh37 (hg19) VCF-style: chr12-48367886-T-C.
Other names: c.4096A>G, p.Lys1366Glu (NM_033150.3); short protein forms K1366E, K1435E.
Identifiers: ClinVar variation 4747036 (VCV004747036.1).

ClinVar aggregate classification (germline): Uncertain significance (1 of 4 stars; one submission).

gnomAD v4.1: 2 of 1,614,222 alleles (0.00012%); highest among the groups gnomAD compares: Non-Finnish European, 0.00017%; no homozygotes.

Submission:

Labcorp Genetics (formerly Invitae), Labcorp
Classification: Uncertain significance. Last evaluated: 2025-03-10. Review status: criteria provided, single submitter. Criteria: Invitae Variant Classification Sherloc (09022015). Collection method: clinical testing. Allele origin: germline.
Comment: This sequence change replaces lysine, which is basic and polar, with glutamic acid, which is acidic and polar, at codon 1435 of the COL2A1 protein (p.Lys1435Glu). This variant is not present in population databases (gnomAD no frequency). This variant has not been reported in the literature in individuals affected with COL2A1-related conditions. Invitae Evidence Modeling of protein sequence and biophysical properties (such as structural, functional, and spatial information, amino acid conservation, physicochemical variation, residue mobility, and thermodynamic stability) indicates that this missense variant is not expected to disrupt COL2A1 protein function with a negative predictive value of 95%. In summary, the available evidence is currently insufficient to determine the role of this variant in disease. Therefore, it has been classified as a Variant of Uncertain Significance.